The following is an entry in ClinVar:

NM_001197104.2(KMT2A):c.3383C>A (p.Pro1128His)

Gene: KMT2A (lysine methyltransferase 2A; plus strand). Cytogenetic location: 11q23.3.
Variant type: single nucleotide variant.
Coding change: c.3383C>A on transcript NM_001197104.2 (MANE Select); coding-DNA position 3383, C replaced by A.
Protein change: p.Pro1128His; replaces proline 1128 with histidine.
Molecular consequence: missense variant.
Genome position (GRCh38, 1-based): chr11:118,478,015, C>A. VCF-style: chr11-118478015-C-A. GRCh37 (hg19) VCF-style: chr11-118348730-C-A.
Other names: c.3482C>A, p.Pro1161His (NM_001412597.1); c.3383C>A, p.Pro1128His (NM_005933.4); short protein forms P1128H, P1161H.
Identifiers: ClinVar variation 3375293 (VCV003375293.1).

ClinVar aggregate classification (germline): Uncertain significance (1 of 4 stars; one submission).

gnomAD v4.1: 1 of 1,614,102 alleles (0.000062%); highest among the groups gnomAD compares: South Asian, 0.0011%; no homozygotes.

Submission:

Women's Health and Genetics/Laboratory Corporation of America, LabCorp
Classification: Uncertain significance. Last evaluated: 2024-09-23. Review status: criteria provided, single submitter. Criteria: LabCorp Variant Classification Summary - May 2015. Collection method: clinical testing. Allele origin: germline.
Comment: Variant summary: KMT2A c.3383C>A (p.Pro1128His) results in a non-conservative amino acid change in the encoded protein sequence. Five of five in-silico tools predict a damaging effect of the variant on protein function. The variant was absent in 251480 control chromosomes. The available data on variant occurrences in the general population are insufficient to allow any conclusion about variant significance. To our knowledge, no occurrence of c.3383C>A in individuals affected with Wiedemann-Steiner Syndrome and no experimental evidence demonstrating its impact on protein function have been reported. No submitters have cited clinical-significance assessments for this variant to ClinVar. Based on the evidence outlined above, the variant was classified as uncertain significance.